The following is an entry in ClinVar:

ClinVar aggregate classification (germline): Likely pathogenic (1 of 4 stars; one submission).

Conditions:
Glutaric aciduria, type 1. Also called: Glutaric Acidemia Type 1; Glutaryl-CoA dehydrogenase deficiency; Glutaric acidemia type I; Glutaricaciduria, type I; GA I; Glutaricacidemia Type 1. Identifiers: Orphanet 25, MedGen C0268595, MONDO:0009281, OMIM 231670.

Submission:

Women's Health and Genetics/Laboratory Corporation of America, LabCorp
Classification: Likely pathogenic for Glutaric aciduria, type 1. Last evaluated: 2019-10-11. Review status: criteria provided, single submitter. Criteria: LabCorp Variant Classification Summary - May 2015. Collection method: clinical testing. Allele origin: germline.
Comment: Variant summary: GCDH c.636-3_639delCAGGATC is located in a canonical splice-site and is predicted to affect mRNA splicing resulting in a significantly altered protein due to either exon skipping, shortening, or inclusion of intronic material. Several computational tools predict a significant impact on normal splicing: Five predict the variant abolishes a 3' acceptor site. However, these predictions have yet to be confirmed by functional studies. The variant was absent in 251312 control chromosomes (gnomAD). c.636-3_639delCAGGATC has been reported in the literature in individuals affected with Glutaric Acidemia Type 1 (Shu_2003). These data indicate that the variant may be associated with disease. To our knowledge, no experimental evidence demonstrating an impact on protein function has been reported. No clinical diagnostic laboratories have submitted clinical-significance assessments for this variant to ClinVar after 2014. Based on the evidence outlined above, the variant was classified as likely pathogenic.

Literature cited by the submitters: PubMed 14691600.

NM_000159.4(GCDH):c.636-3_639del

Gene: GCDH (glutaryl-CoA dehydrogenase; plus strand). Cytogenetic location: 19p13.13.
Variant type: Deletion.
Coding change: c.636-3_639del on transcript NM_000159.4 (MANE Select); 3 bases into the intron before coding-DNA position 636 through coding-DNA position 639, 7 bases deleted (CAGGATC; older notation c.636-3_639delCAGGATC).
Molecular consequence: splice acceptor variant.
Genome position (GRCh38, 1-based): chr19:12,896,202-12,896,208, CAGGATC deleted; deleting any 7 consecutive bases within chr19:12,896,201-12,896,208 gives the same sequence; the c. name uses the placement nearest the transcript's 3' end. VCF-style (leftmost placement, unchanged base first): chr19-12896200-CCCAGGAT-C. GRCh37 (hg19) VCF-style: chr19-13007014-CCCAGGAT-C.
Other names: c.636-3_639delCAGGATC (NM_000159.2); c.636-3_639del (NM_013976.5).
Identifiers: ClinVar variation 495687 (VCV000495687.2), dbSNP rs1555750535, ClinGen allele CA658684223.